The following is an entry in ClinVar:

ClinVar aggregate classification (germline): Likely pathogenic. Review status: criteria provided, multiple submitters, no conflicts (2 of 4 stars). 2 submissions from 2 submitters: Likely pathogenic (2). Last evaluated 2025-09-01.

Conditions:
Megalencephalic leukoencephalopathy with subcortical cysts. Also called: VAN DER KNAAP DISEASE. Identifiers: Orphanet 2478, MedGen C1858854, MONDO:0011391.
Megalencephalic leukoencephalopathy with subcortical cysts 1 (MLC1). Also called: LEUKOENCEPHALOPATHY WITH SWELLING AND CYSTS; VACUOLATING MEGALENCEPHALIC LEUKOENCEPHALOPATHY WITH SUBCORTICAL CYSTS. Identifiers: Orphanet 2478, MedGen C5779875, MONDO:0024555, OMIM 604004.

Submissions (2):

Natera, Inc.
Classification: Likely pathogenic for Megalencephalic leukoencephalopathy with subcortical cysts. Last evaluated: 2025-09-01. Review status: criteria provided, single submitter. Criteria: Natera Variant Classification Schema (03/2026). Collection method: clinical testing. Allele origin: germline.
Comment: The c.254G>A variant in MLC1 is a missense variant predicted to cause substitution of cysteine to tyrosine at amino acid 85. This variant is rare in the general population with a frequency below the threshold expected for the associated phenotype(s). This variant has been observed in one or more individuals affected with the associated recessive disease, as either homozygous or compound heterozygous with a second variant (PMID: 32180488, 21145992). A different variant at the same position has been determined to be Pathogenic or Likely Pathogenic. Computational prediction algorithms indicate this variant is likely to affect gene or protein function. Given the available evidence, this variant is classified as Likely Pathogenic.

Baylor Genetics
Classification: Likely pathogenic for Megalencephalic leukoencephalopathy with subcortical cysts 1. Last evaluated: 2023-10-21. Review status: criteria provided, single submitter. Criteria: ACMG Guidelines, 2015. Collection method: clinical testing. Allele origin: unknown.

Literature cited by the submitters: PubMed 32180488 (cited by Natera, Inc.); PubMed 21145992 (cited by Natera, Inc.).

NM_015166.4(MLC1):c.254G>A (p.Cys85Tyr)

Genes: MLC1 (modulator of VRAC current 1; minus strand), LOC125446261 (Sharpr-MPRA regulatory region 9327; plus strand). Cytogenetic location: 22q13.33.
Variant type: single nucleotide variant.
Coding change: c.254G>A on transcript NM_015166.4 (MANE Select); coding-DNA position 254, G replaced by A.
Protein change: p.Cys85Tyr; replaces cysteine 85 with tyrosine.
Molecular consequence: missense variant. On other transcripts: non-coding transcript variant (3), intron variant (1).
Genome position (GRCh38, 1-based): chr22:50,083,097, C>T on the plus strand (G>A on the coding strand, the complement: MLC1 is on the minus strand). VCF-style: chr22-50083097-C-T. GRCh37 (hg19) VCF-style: chr22-50521526-C-T.
Other names: c.254G>A (NM_015166.3); c.254G>A, p.Cys85Tyr (NM_001376472.1, NM_001376473.1, NM_001376474.1 and 9 more transcripts); c.17G>A, p.Cys6Tyr (NM_001376484.1); c.177+1629G>A (NM_001376480.1); short protein forms C6Y, C85Y.
Identifiers: ClinVar variation 2676559 (VCV002676559.2), dbSNP rs2518358218, ClinGen allele CA412111551.